The following is an entry in ClinVar:

ClinVar aggregate classification (germline): Pathogenic/Likely pathogenic. Review status: criteria provided, multiple submitters, no conflicts (2 of 4 stars). 2 submissions from 2 submitters: Pathogenic (1); Likely pathogenic (1). Last evaluated 2024-01-17.

Conditions:
Familial cancer of breast. Also called: hereditary breast carcinoma; BREAST CANCER, FAMILIAL; Hereditary breast cancer. Identifiers: Orphanet 227535, MedGen C0346153, MONDO:0016419, OMIM 114480. Disease mechanism: loss of function.

Submissions (2):

Myriad Genetics, Inc.
Classification: Pathogenic for Familial cancer of breast. Last evaluated: 2024-01-17. Review status: criteria provided, single submitter. Criteria: Myriad Autosomal Dominant, Autosomal Recessive and X-Linked Classification Criteria (2023). Collection method: clinical testing. Allele origin: unknown.
Comment: This variant is considered pathogenic. This variant creates a frameshift predicted to result in premature protein truncation.

Baylor Genetics
Classification: Likely pathogenic for Familial cancer of breast. Last evaluated: 2021-05-28. Review status: criteria provided, single submitter. Criteria: ACMG Guidelines, 2015. Collection method: clinical testing. Allele origin: unknown.

NM_000051.4(ATM):c.2456del (p.Cys819fs)

Gene: ATM (ATM serine/threonine kinase; plus strand). Cytogenetic location: 11q22.3.
Variant type: Deletion.
Coding change: c.2456del on transcript NM_000051.4 (MANE Select); coding-DNA position 2456, one base deleted (G; older notation c.2456delG).
Protein change: p.Cys819fs; shifts the reading frame from cysteine 819.
Molecular consequence: frameshift variant.
Genome position (GRCh38, 1-based): chr11:108,259,065, G deleted. VCF-style (leftmost placement, unchanged base first): chr11-108259064-TG-T. GRCh37 (hg19) VCF-style: chr11-108129791-TG-T.
Other names: c.2456del, p.Cys819fs (NM_001351834.2); short protein forms C819fs.
Identifiers: ClinVar variation 2679785 (VCV002679785.2), dbSNP rs2135422280, ClinGen allele CA2573146516.